The following is an entry in ClinVar:

ClinVar aggregate classification (germline): Uncertain significance (1 of 4 stars; one submission).

Allele frequency attached by ClinVar (database versions not stated): gnomAD exomes 0.00001.
gnomAD v4.1: 13 of 1,614,190 alleles (0.00081%); highest among the groups gnomAD compares: Non-Finnish European, 0.0011%; no homozygotes.

Submission:

Labcorp Genetics (formerly Invitae), Labcorp
Classification: Uncertain significance. Last evaluated: 2024-08-13. Review status: criteria provided, single submitter. Criteria: Invitae Variant Classification Sherloc (09022015). Collection method: clinical testing. Allele origin: germline.
Comment: This sequence change replaces lysine, which is basic and polar, with threonine, which is neutral and polar, at codon 639 of the FBN3 protein (p.Lys639Thr). This variant is not present in population databases (gnomAD no frequency). This variant has not been reported in the literature in individuals affected with FBN3-related conditions. ClinVar contains an entry for this variant (Variation ID: 1997986). Advanced modeling of protein sequence and biophysical properties (such as structural, functional, and spatial information, amino acid conservation, physicochemical variation, residue mobility, and thermodynamic stability) performed at Invitae indicates that this missense variant is expected to disrupt FBN3 protein function with a positive predictive value of 80%. In summary, the available evidence is currently insufficient to determine the role of this variant in disease. Therefore, it has been classified as a Variant of Uncertain Significance.

NM_032447.5(FBN3):c.1916A>C (p.Lys639Thr)

Gene: FBN3 (fibrillin 3; minus strand). Cytogenetic location: 19p13.2.
Variant type: single nucleotide variant.
Coding change: c.1916A>C on transcript NM_032447.5 (MANE Select); coding-DNA position 1916, A replaced by C.
Protein change: p.Lys639Thr; replaces lysine 639 with threonine.
Molecular consequence: missense variant.
Genome position (GRCh38, 1-based): chr19:8,131,628, T>G on the plus strand (A>C on the coding strand, the complement: FBN3 is on the minus strand). VCF-style: chr19-8131628-T-G. GRCh37 (hg19) VCF-style: chr19-8196512-T-G.
Other names: c.1916A>C, p.Lys639Thr (NM_001321431.2); short protein forms K639T.
Identifiers: ClinVar variation 1997986 (VCV001997986.4), dbSNP rs2512929514, ClinGen allele CA403705000.